The following is an entry in ClinVar:

NM_004655.4(AXIN2):c.438C>G (p.Ser146=)

Gene: AXIN2 (axin 2; minus strand). Cytogenetic location: 17q24.1.
Variant type: single nucleotide variant.
Coding change: c.438C>G on transcript NM_004655.4 (MANE Select); coding-DNA position 438, C replaced by G.
Protein change: p.Ser146=; no amino-acid change (serine 146 retained).
Molecular consequence: synonymous variant.
Genome position (GRCh38, 1-based): chr17:65,558,183, G>C on the plus strand (C>G on the coding strand, the complement: AXIN2 is on the minus strand). VCF-style: chr17-65558183-G-C. GRCh37 (hg19) VCF-style: chr17-63554301-G-C.
Other names: c.438C>G, p.Ser146= (NM_001363813.1).
Identifiers: ClinVar variation 1740198 (VCV001740198.3), dbSNP rs2044301442, ClinGen allele CA501691773.

ClinVar aggregate classification (germline): Benign/Likely benign. Review status: criteria provided, multiple submitters, no conflicts (2 of 4 stars). 2 submissions from 2 submitters: Benign (1); Likely benign (1). Last evaluated 2024-06-26.

Conditions:
Hereditary cancer-predisposing syndrome. Also called: Hereditary Cancer Syndrome; Hereditary neoplastic syndrome; Neoplastic Syndromes, Hereditary; Tumor predisposition. Identifiers: Orphanet 140162, MedGen C0027672, MeSH D009386, MONDO:0015356.
Oligodontia-cancer predisposition syndrome. Also called: TOOTH AGENESIS-COLORECTAL CANCER SYNDROME. Identifiers: Orphanet 300576, MedGen C1837750, MONDO:0012075, OMIM 608615. Disease mechanism: loss of function.

Submissions (2):

Myriad Genetics, Inc.
Classification: Benign for Oligodontia-cancer predisposition syndrome. Last evaluated: 2024-06-26. Review status: criteria provided, single submitter. Criteria: Myriad Autosomal Dominant, Autosomal Recessive and X-Linked Classification Criteria (2023). Collection method: clinical testing. Allele origin: unknown.
Comment: This variant is considered benign. This variant is a silent/synonymous amino acid change and it is not expected to impact splicing.

Ambry Genetics
Classification: Likely benign for Hereditary cancer-predisposing syndrome. Last evaluated: 2020-01-29. Review status: criteria provided, single submitter. Criteria: Ambry Variant Classification Scheme 2023. Collection method: clinical testing. Allele origin: germline.